The following is an entry in ClinVar:

ClinVar aggregate classification (germline): Uncertain significance (1 of 4 stars; one submission).

Allele frequency attached by ClinVar (database versions not stated): gnomAD 0.00001; TOPMed 0.00001.
gnomAD v4.1: 7 of 1,547,962 alleles (0.00045%); highest among the groups gnomAD compares: Non-Finnish European, 0.00052%; no homozygotes.

Submission:

Labcorp Genetics (formerly Invitae), Labcorp
Classification: Uncertain significance. Last evaluated: 2022-06-04. Review status: criteria provided, single submitter. Criteria: Invitae Variant Classification Sherloc (09022015). Collection method: clinical testing. Allele origin: germline.
Comment: Variants that disrupt the consensus splice site are a relatively common cause of aberrant splicing (PMID: 17576681, 9536098). Algorithms developed to predict the effect of sequence changes on RNA splicing suggest that this variant is not likely to affect RNA splicing. This sequence change falls in intron 6 of the TOP2B gene. It does not directly change the encoded amino acid sequence of the TOP2B protein. It affects a nucleotide within the consensus splice site. This variant is present in population databases (no rsID available, gnomAD 0.007%). This variant has not been reported in the literature in individuals affected with TOP2B-related conditions. In summary, the available evidence is currently insufficient to determine the role of this variant in disease. Therefore, it has been classified as a Variant of Uncertain Significance.

Literature cited by the submitters: PubMed 17576681; PubMed 9536098.

NM_001330700.2(TOP2B):c.640-3A>T

Gene: TOP2B (DNA topoisomerase II beta; minus strand). Cytogenetic location: 3p24.2.
Variant type: single nucleotide variant.
Coding change: c.640-3A>T on transcript NM_001330700.2 (MANE Select); 3 bases into the intron before coding-DNA position 640, A replaced by T.
Molecular consequence: intron variant.
Genome position (GRCh38, 1-based): chr3:25,636,151, T>A on the plus strand (A>T on the coding strand, the complement: TOP2B is on the minus strand). VCF-style: chr3-25636151-T-A. GRCh37 (hg19) VCF-style: chr3-25677642-T-A.
Other names: c.625-3A>T (NM_001068.3).
Identifiers: ClinVar variation 1910429 (VCV001910429.5), dbSNP rs773573184, ClinGen allele CA71658888.